The following is an entry in ClinVar:

ClinVar aggregate classification (germline): Uncertain significance (1 of 4 stars; one submission).

Allele frequency attached by ClinVar (database versions not stated): gnomAD exomes below 0.00001; ExAC 0.00001; gnomAD 0.00002.
gnomAD v4.1: 7 of 1,613,448 alleles (0.00043%); highest among the groups gnomAD compares: African/African-American, 0.004%; no homozygotes.

Submission:

Labcorp Genetics (formerly Invitae), Labcorp
Classification: Uncertain significance. Last evaluated: 2025-03-10. Review status: criteria provided, single submitter. Criteria: Invitae Variant Classification Sherloc (09022015). Collection method: clinical testing. Allele origin: germline.
Comment: This sequence change replaces arginine, which is basic and polar, with lysine, which is basic and polar, at codon 773 of the NLRP1 protein (p.Arg773Lys). This variant is present in population databases (rs770756924, gnomAD 0.003%). This variant has not been reported in the literature in individuals affected with NLRP1-related conditions. ClinVar contains an entry for this variant (Variation ID: 1479617). An algorithm developed to predict the effect of missense changes on protein structure and function (PolyPhen-2) suggests that this variant is likely to be tolerated. In summary, the available evidence is currently insufficient to determine the role of this variant in disease. Therefore, it has been classified as a Variant of Uncertain Significance.

NM_033004.4(NLRP1):c.2318G>A (p.Arg773Lys)

Gene: NLRP1 (NLR family pyrin domain containing 1; minus strand). Cytogenetic location: 17p13.2.
Variant type: single nucleotide variant.
Coding change: c.2318G>A on transcript NM_033004.4 (MANE Select); coding-DNA position 2318, G replaced by A.
Protein change: p.Arg773Lys; replaces arginine 773 with lysine.
Molecular consequence: missense variant.
Genome position (GRCh38, 1-based): chr17:5,558,378, C>T on the plus strand (G>A on the coding strand, the complement: NLRP1 is on the minus strand). VCF-style: chr17-5558378-C-T. GRCh37 (hg19) VCF-style: chr17-5461698-C-T.
Other names: c.2318G>A, p.Arg773Lys (NM_001033053.3, NM_014922.5, NM_033006.4 and 1 more transcripts); short protein forms R773K.
Identifiers: ClinVar variation 1479617 (VCV001479617.6), dbSNP rs770756924, ClinGen allele CA8327214.
Genomic context (GRCh38, chr17:5,558,378, plus strand): 5'-ATGGGTGGTTTGGGTACTCACAGGACTACCATGGTGGGGCTCCATGTTGATCTGTGCTGC[C>T]TGCCCTCAATCAGCTGAAGCTTCTTCACGTGGCGGCTGAATTTAATGCAGAAAGTGCACA-3'
Protein context (NP_127497.1, residues 763-783): HVKKLQLIEG[Arg773Lys]QHRSTWSPTM